The following is an entry in ClinVar:

ClinVar aggregate classification (germline): Uncertain significance (1 of 4 stars; one submission).

Conditions:
Telangiectasia, hereditary hemorrhagic, type 2 (HHT2). Also called: ACVRL1-Related Hereditary Hemorrhagic Telangiectasia; Telangiectasia, hereditary hemorrhagic, type II. Identifiers: Orphanet 774, MedGen C1838163, MONDO:0010880, OMIM 600376. Disease mechanism: loss of function.

Submission:

Labcorp Genetics (formerly Invitae), Labcorp
Classification: Uncertain significance for Telangiectasia, hereditary hemorrhagic, type 2. Last evaluated: 2024-12-18. Review status: criteria provided, single submitter. Criteria: Invitae Variant Classification Sherloc (09022015). Collection method: clinical testing. Allele origin: germline.
Comment: This sequence change falls in intron 4 of the ACVRL1 gene. It does not directly change the encoded amino acid sequence of the ACVRL1 protein. It affects a nucleotide within the consensus splice site. This variant is not present in population databases (gnomAD no frequency). This variant has not been reported in the literature in individuals affected with ACVRL1-related conditions. Variants that disrupt the consensus splice site are a relatively common cause of aberrant splicing (PMID: 17576681, 9536098). Algorithms developed to predict the effect of sequence changes on RNA splicing suggest that this variant may disrupt the consensus splice site. In summary, the available evidence is currently insufficient to determine the role of this variant in disease. Therefore, it has been classified as a Variant of Uncertain Significance.

Literature cited by the submitters: PubMed 17576681; PubMed 9536098.

NM_000020.3(ACVRL1):c.526-3C>A

Gene: ACVRL1 (activin A receptor like type 1; plus strand). Cytogenetic location: 12q13.13.
Variant type: single nucleotide variant.
Coding change: c.526-3C>A on transcript NM_000020.3 (MANE Select); 3 bases into the intron before coding-DNA position 526, C replaced by A.
Molecular consequence: intron variant.
Genome position (GRCh38, 1-based): chr12:51,913,971, C>A. VCF-style: chr12-51913971-C-A. GRCh37 (hg19) VCF-style: chr12-52307755-C-A.
Other names: c.526-3C>A (NM_001406487.1, NM_001406488.1, NM_001077401.2 and 1 more transcripts); c.314-468C>A (NM_001406491.1, NM_001406490.1, NM_001406492.1 and 2 more transcripts); c.62-468C>A (NM_001406495.1).
Identifiers: ClinVar variation 3654532 (VCV003654532.2).